The following is an entry in ClinVar:

NM_001013838.3(CARMIL2):c.921G>T (p.Arg307Ser)

Gene: CARMIL2 (capping protein regulator and myosin 1 linker 2; plus strand). Cytogenetic location: 16q22.1.
Variant type: single nucleotide variant.
Coding change: c.921G>T on transcript NM_001013838.3 (MANE Select); coding-DNA position 921, G replaced by T.
Protein change: p.Arg307Ser; replaces arginine 307 with serine.
Molecular consequence: missense variant.
Genome position (GRCh38, 1-based): chr16:67,647,729, G>T. VCF-style: chr16-67647729-G-T. GRCh37 (hg19) VCF-style: chr16-67681632-G-T.
Other names: c.921G>T, p.Arg307Ser (NM_001317026.3); short protein forms R307S.
Identifiers: ClinVar variation 1463470 (VCV001463470.6), dbSNP rs562192179, ClinGen allele CA8113276.

ClinVar aggregate classification (germline): Uncertain significance (1 of 4 stars; one submission).

Allele frequency attached by ClinVar (database versions not stated): gnomAD exomes below 0.00001 and 0.00001; gnomAD 0.00001; ExAC 0.00002; 1000 Genomes Project 30x 0.00031; 1000 Genomes Project 0.00040.
gnomAD v4.1: 14 of 1,505,520 alleles (0.00093%); highest among the groups gnomAD compares: South Asian, 0.014%; no homozygotes.

Submission:

Labcorp Genetics (formerly Invitae), Labcorp
Classification: Uncertain significance. Last evaluated: 2022-02-09. Review status: criteria provided, single submitter. Criteria: Invitae Variant Classification Sherloc (09022015). Collection method: clinical testing. Allele origin: germline.
Comment: This variant has not been reported in the literature in individuals affected with CARMIL2-related conditions. Algorithms developed to predict the effect of missense changes on protein structure and function (SIFT, PolyPhen-2, Align-GVGD) all suggest that this variant is likely to be tolerated. In summary, the available evidence is currently insufficient to determine the role of this variant in disease. Therefore, it has been classified as a Variant of Uncertain Significance. This sequence change replaces arginine, which is basic and polar, with serine, which is neutral and polar, at codon 307 of the CARMIL2 protein (p.Arg307Ser). The frequency data for this variant in the population databases is considered unreliable, as metrics indicate poor data quality at this position in the gnomAD database.